The following is an entry in ClinVar:

NM_006390.4(IPO8):c.1595-8T>C

Gene: IPO8 (importin 8; minus strand). Cytogenetic location: 12p11.21.
Variant type: single nucleotide variant.
Coding change: c.1595-8T>C on transcript NM_006390.4 (MANE Select); 8 bases into the intron before coding-DNA position 1595, T replaced by C.
Molecular consequence: intron variant.
Genome position (GRCh38, 1-based): chr12:30,662,495, A>G on the plus strand (T>C on the coding strand, the complement: IPO8 is on the minus strand). VCF-style: chr12-30662495-A-G. GRCh37 (hg19) VCF-style: chr12-30815429-A-G.
Other names: c.980-8T>C (NM_001190995.2).
Identifiers: ClinVar variation 5038753 (VCV005038753.1).
Genomic context (GRCh38, chr12:30,662,495, plus strand): 5'-GTGCAACAGTTCCTGCATAATAGGCCTCACATGTGGCTTCATATATTCCTTAGCTAATTC[A>G]ATAAAACAAACAAAAGTAATAAAAATTACCATGCCCAGATGATAAAAGGAATTAACTTGG-3'

ClinVar aggregate classification (germline): Likely benign (1 of 4 stars; one submission).

gnomAD v4.1: 557 of 1,602,718 alleles (0.035%); highest among the groups gnomAD compares: East Asian, 1.2%; 5 homozygotes.

Submission:

CeGaT Center for Human Genetics Tuebingen
Classification: Likely benign. Last evaluated: 2026-08-01. Review status: criteria provided, single submitter. Criteria: CeGaT Center For Human Genetics Tuebingen Variant Classification Criteria Version 2. Collection method: clinical testing. Allele origin: germline. Affected: yes. Observed: 1 variant allele.
Comment: IPO8: BP4, BS1